The following is an entry in ClinVar:

NM_032575.3(GLIS2):c.362G>A (p.Arg121His)

Gene: GLIS2 (GLIS family zinc finger 2; plus strand). Cytogenetic location: 16p13.3.
Variant type: single nucleotide variant.
Coding change: c.362G>A on transcript NM_032575.3 (MANE Select); coding-DNA position 362, G replaced by A.
Protein change: p.Arg121His; replaces arginine 121 with histidine.
Molecular consequence: missense variant.
Genome position (GRCh38, 1-based): chr16:4,334,817, G>A. VCF-style: chr16-4334817-G-A. GRCh37 (hg19) VCF-style: chr16-4384818-G-A.
Other names: c.362G>A, p.Arg121His (NM_001318918.2); short protein forms R121H.
Identifiers: ClinVar variation 2723249 (VCV002723249.3), dbSNP rs113269622, ClinGen allele CA7872992.
Genomic context (GRCh38, chr16:4,334,817, plus strand): 5'-TCTGGGCCAGCAGGACCTTGACTAGCCCTCCCCTCGCACCCCAGGACTTCCAGCCACTGC[G>A]CTATTTGGATGGTGTCCCCAGCTCCTTCCAGTTCTTCCTGCCCCTCGGCTCCGGGGGGGC-3'
Protein context (NP_115964.2, residues 111-131): VPSASDFQPL[Arg121His]YLDGVPSSFQ

ClinVar aggregate classification (germline): Uncertain significance (1 of 4 stars; one submission).

Conditions:
Nephronophthisis. Also called: Juvenile Nephronophthisis. Identifiers: Orphanet 655, MedGen C0687120, MONDO:0019005, HP:0000090.

Allele frequency attached by ClinVar (database versions not stated): ExAC 0.00002; gnomAD exomes 0.00002; gnomAD 0.00003; 1000 Genomes Project 30x 0.00016; 1000 Genomes Project 0.00020.
gnomAD v4.1: 29 of 1,613,472 alleles (0.0018%); highest among the groups gnomAD compares: African/African-American, 0.008%; no homozygotes.

Submission:

Labcorp Genetics (formerly Invitae), Labcorp
Classification: Uncertain significance for Nephronophthisis. Last evaluated: 2024-08-05. Review status: criteria provided, single submitter. Criteria: Invitae Variant Classification Sherloc (09022015). Collection method: clinical testing. Allele origin: germline.
Comment: This sequence change replaces arginine, which is basic and polar, with histidine, which is basic and polar, at codon 121 of the GLIS2 protein (p.Arg121His). This variant is present in population databases (rs113269622, gnomAD 0.01%). This variant has not been reported in the literature in individuals affected with GLIS2-related conditions. An algorithm developed to predict the effect of missense changes on protein structure and function (PolyPhen-2) suggests that this variant is likely to be disruptive. In summary, the available evidence is currently insufficient to determine the role of this variant in disease. Therefore, it has been classified as a Variant of Uncertain Significance.